The following is an entry in ClinVar:

ClinVar aggregate classification (germline): Uncertain significance. Review status: criteria provided, single submitter (1 of 4 stars). 2 submissions from 2 submitters: Uncertain significance (1). 1 of the submissions does not count toward it. Last evaluated 2024-01-11.

Conditions:
Familial long QT syndrome (RWS). Also called: Congenital long QT syndrome; Romano-Ward syndrome; VENTRICULAR FIBRILLATION WITH PROLONGED QT INTERVAL. Identifiers: Orphanet 768, MedGen C1141890, MONDO:0019171.
Long QT syndrome (LQTS). Identifiers: MedGen C0023976, MeSH D008133, MONDO:0002442. Disease mechanism: loss of function. Inheritance: Various modes of inheritance.

Allele frequency attached by ClinVar (database versions not stated): ExAC 0.00001; gnomAD exomes 0.00001.
gnomAD v4.1: 3 of 1,613,634 alleles (0.00019%); highest among the groups gnomAD compares: South Asian, 0.0033%; no homozygotes.

Submissions (2):

All of Us Research Program, National Institutes of Health
Classification: Uncertain significance for Long QT syndrome. Last evaluated: 2024-01-11. Review status: criteria provided, single submitter. Criteria: ACMG Guidelines, 2015. Collection method: clinical testing. Allele origin: germline. Inheritance: Autosomal dominant inheritance. Observed: 1 variant allele, 1 heterozygote.
Comment: This study involves interpretation of variants in research participants for the purpose of population health screening. Participant phenotype was not available at the time of variant classification. Additional details can be found in publication PMID: 35346344, PMCID: PMC8962531

Cardiovascular Biomedical Research Unit, Royal Brompton & Harefield NHS Foundation Trust
No classification provided. Condition: Familial long QT syndrome. Review status: no classification provided. Collection method: literature only. Allele origin: germline. Not counted in ClinVar's aggregate classification.
Comment: This variant has been reported as associated with Long QT syndrome in the following publications (PMID:20541041). This is a literature report, and does not necessarily reflect the clinical interpretation of the Imperial College / Royal Brompton Cardiovascular Genetics laboratory.

Literature cited by the submitters: PubMed 20541041 (cited by Cardiovascular Biomedical Research Unit, Royal Brompton & Harefield NHS Foundation Trust); PubMed 22581653 (cited by Cardiovascular Biomedical Research Unit, Royal Brompton & Harefield NHS Foundation Trust).

NM_000218.3(KCNQ1):c.1265A>C (p.Lys422Thr)

Gene: KCNQ1 (potassium voltage-gated channel subfamily Q member 1; plus strand). Cytogenetic location: 11p15.5.
Variant type: single nucleotide variant.
Coding change: c.1265A>C on transcript NM_000218.3 (MANE Select); coding-DNA position 1265, A replaced by C.
Protein change: p.Lys422Thr; replaces lysine 422 with threonine.
Molecular consequence: missense variant.
Genome position (GRCh38, 1-based): chr11:2,588,726, A>C. VCF-style: chr11-2588726-A-C. GRCh37 (hg19) VCF-style: chr11-2609956-A-C.
Other names: c.1265A>C (LRG_287t1); c.1169A>C, p.Lys390Thr (NM_001406836.1); c.995A>C, p.Lys332Thr (NM_001406837.1); c.725A>C, p.Lys242Thr (NM_001406838.1); c.884A>C, p.Lys295Thr (NM_181798.2); short protein forms K422T, K295T, K242T, K332T, K390T.
Identifiers: ClinVar variation 67022 (VCV000067022.4), dbSNP rs199472778, ClinGen allele CA005552.